The following is an entry in ClinVar:

NM_004551.3(NDUFS3):c.22A>T (p.Arg8Trp)

Gene: NDUFS3 (NADH:ubiquinone oxidoreductase core subunit S3; plus strand). Cytogenetic location: 11p11.2.
Variant type: single nucleotide variant.
Coding change: c.22A>T on transcript NM_004551.3 (MANE Select); coding-DNA position 22, A replaced by T.
Protein change: p.Arg8Trp; replaces arginine 8 with tryptophan.
Molecular consequence: missense variant.
Genome position (GRCh38, 1-based): chr11:47,579,113, A>T. VCF-style: chr11-47579113-A-T. GRCh37 (hg19) VCF-style: chr11-47600665-A-T.
Other names: short protein forms R8W.
Identifiers: ClinVar variation 1980440 (VCV001980440.1), dbSNP rs762277356, ClinGen allele CA5977769.

ClinVar aggregate classification (germline): Uncertain significance (1 of 4 stars; one submission).

Allele frequency attached by ClinVar (database versions not stated): gnomAD 0.00001; TOPMed 0.00002; ExAC 0.00006.
gnomAD v4.1: 7 of 1,585,138 alleles (0.00044%); highest among the groups gnomAD compares: East Asian, 0.014%; no homozygotes.

Submission:

Labcorp Genetics (formerly Invitae), Labcorp
Classification: Uncertain significance. Last evaluated: 2022-07-26. Review status: criteria provided, single submitter. Criteria: Invitae Variant Classification Sherloc (09022015). Collection method: clinical testing. Allele origin: germline.
Comment: This sequence change replaces arginine, which is basic and polar, with tryptophan, which is neutral and slightly polar, at codon 8 of the NDUFS3 protein (p.Arg8Trp). This variant is present in population databases (rs762277356, gnomAD 0.04%). This variant has not been reported in the literature in individuals affected with NDUFS3-related conditions. Algorithms developed to predict the effect of missense changes on protein structure and function are either unavailable or do not agree on the potential impact of this missense change (SIFT: "Deleterious"; PolyPhen-2: "Possibly Damaging"; Align-GVGD: "Class C0"). In summary, the available evidence is currently insufficient to determine the role of this variant in disease. Therefore, it has been classified as a Variant of Uncertain Significance.